The following is an entry in ClinVar:

ClinVar aggregate classification (germline): Uncertain significance (1 of 4 stars; one submission).

Allele frequency attached by ClinVar (database versions not stated): gnomAD exomes below 0.00001.
gnomAD v4.1: 1 of 1,613,850 alleles (0.000062%); highest among the groups gnomAD compares: East Asian, 0.0022%; no homozygotes.

Submission:

Labcorp Genetics (formerly Invitae), Labcorp
Classification: Uncertain significance. Last evaluated: 2022-04-30. Review status: criteria provided, single submitter. Criteria: Invitae Variant Classification Sherloc (09022015). Collection method: clinical testing. Allele origin: germline.
Comment: In summary, the available evidence is currently insufficient to determine the role of this variant in disease. Therefore, it has been classified as a Variant of Uncertain Significance. Algorithms developed to predict the effect of missense changes on protein structure and function (SIFT, PolyPhen-2, Align-GVGD) all suggest that this variant is likely to be disruptive. This variant has not been reported in the literature in individuals affected with VCAN-related conditions. This variant is not present in population databases (gnomAD no frequency). This sequence change replaces glutamic acid, which is acidic and polar, with alanine, which is neutral and non-polar, at codon 1550 of the VCAN protein (p.Glu1550Ala).

NM_004385.5(VCAN):c.4649A>C (p.Glu1550Ala)

Genes: VCAN (versican; plus strand), VCAN-AS1 (VCAN antisense RNA 1; minus strand). Cytogenetic location: 5q14.3.
Variant type: single nucleotide variant.
Coding change: c.4649A>C on transcript NM_004385.5 (MANE Select); coding-DNA position 4649, A replaced by C.
Protein change: p.Glu1550Ala; replaces glutamic acid 1550 with alanine.
Molecular consequence: missense variant. On other transcripts: intron variant (2).
Genome position (GRCh38, 1-based): chr5:83,537,652, A>C. VCF-style: chr5-83537652-A-C. GRCh37 (hg19) VCF-style: chr5-82833471-A-C.
Other names: c.1688A>C, p.Glu563Ala (NM_001164097.2); c.4004-7885A>C (NM_001164098.2); c.1043-7885A>C (NM_001126336.3); short protein forms E1550A, E563A.
Identifiers: ClinVar variation 1924908 (VCV001924908.5), dbSNP rs528961958, ClinGen allele CA360308706.